The following is an entry in ClinVar:

NM_001353345.2(SETD1B):c.3450C>G (p.Ala1150=)

Gene: SETD1B (SET domain containing 1B, histone lysine methyltransferase; plus strand). Cytogenetic location: 12q24.31.
Variant type: single nucleotide variant.
Coding change: c.3450C>G on transcript NM_001353345.2 (MANE Select); coding-DNA position 3450, C replaced by G.
Protein change: p.Ala1150=; no amino-acid change (alanine 1150 retained).
Molecular consequence: synonymous variant.
Genome position (GRCh38, 1-based): chr12:121,819,435, C>G. VCF-style: chr12-121819435-C-G. GRCh37 (hg19) VCF-style: chr12-122257341-C-G.
Identifiers: ClinVar variation 2643462 (VCV002643462.25), dbSNP rs183621866, ClinGen allele CA6839072.
Genomic context (GRCh38, chr12:121,819,435, plus strand): 5'-GCAGCCCCTCGTCTGTGTCCCCCATCCAGAGGAGACAGTGAGCATTGTAACCTCCAAGGC[C>G]GAAGCCACGTCGTCCAGTGAGAGTTCCGAGTCTTCTGAGTTTGAGTCAAGCTCCGAGTCC-3'
Protein context (NP_001340274.1, residues 1140-1160): EETVSIVTSK[Ala1150=]EATSSSESSE

ClinVar aggregate classification (germline): Likely benign. Review status: criteria provided, multiple submitters, no conflicts (2 of 4 stars). 2 submissions from 2 submitters: Likely benign (2). Last evaluated 2026-03-01.

Allele frequency attached by ClinVar (database versions not stated): ExAC 0.00018; 1000 Genomes Project 30x 0.00031; 1000 Genomes Project 0.00040.
gnomAD v4.1: 77 of 1,552,068 alleles (0.005%); highest among the groups gnomAD compares: Admixed American, 0.025%; no homozygotes.

Submissions (2):

CeGaT Center for Human Genetics Tuebingen
Classification: Likely benign. Last evaluated: 2026-03-01. Review status: criteria provided, single submitter. Criteria: CeGaT Center For Human Genetics Tuebingen Variant Classification Criteria Version 2. Collection method: clinical testing. Allele origin: germline. Affected: yes. Observed: 3 variant alleles.
Comment: SETD1B: BP4, BP7

Blueprint Genetics
Classification: Likely benign. Last evaluated: 2024-09-13. Review status: criteria provided, single submitter. Criteria: ACMG Guidelines, 2015. Collection method: clinical testing. Allele origin: germline.